The following is an entry in ClinVar:

NM_022168.4(IFIH1):c.565G>A (p.Gly189Arg)

Gene: IFIH1 (interferon induced with helicase C domain 1; minus strand). Cytogenetic location: 2q24.2.
Variant type: single nucleotide variant.
Coding change: c.565G>A on transcript NM_022168.4 (MANE Select); coding-DNA position 565, G replaced by A.
Protein change: p.Gly189Arg; replaces glycine 189 with arginine.
Molecular consequence: missense variant.
Genome position (GRCh38, 1-based): chr2:162,310,822, C>T on the plus strand (G>A on the coding strand, the complement: IFIH1 is on the minus strand). VCF-style: chr2-162310822-C-T. GRCh37 (hg19) VCF-style: chr2-163167332-C-T.
Other names: short protein forms G189R.
Identifiers: ClinVar variation 3753642 (VCV003753642.2).

ClinVar aggregate classification (germline): Uncertain significance (1 of 4 stars; one submission).

Conditions:
Singleton-Merten syndrome 1 (SGMRT1). Also called: Widened medullary cavities of bone, aortic calcification, abnormal dentition, and muscular weakness; Syndrome of widened medullary cavities of the metacarpals and phalanges, aortic calcification and abnormal dentition. Identifiers: Orphanet 85191, MedGen C4225427, MONDO:0024535, OMIM 182250.
Aicardi-Goutieres syndrome 7 (AGS7). Identifiers: Orphanet 51, MedGen C3888244, MONDO:0014367, OMIM 615846.

Submission:

Labcorp Genetics (formerly Invitae), Labcorp
Classification: Uncertain significance for Aicardi-Goutieres syndrome 7; Singleton-Merten syndrome 1. Last evaluated: 2024-10-15. Review status: criteria provided, single submitter. Criteria: Invitae Variant Classification Sherloc (09022015). Collection method: clinical testing. Allele origin: germline.
Comment: This sequence change replaces glycine, which is neutral and non-polar, with arginine, which is basic and polar, at codon 189 of the IFIH1 protein (p.Gly189Arg). This variant is not present in population databases (gnomAD no frequency). This variant has not been reported in the literature in individuals affected with IFIH1-related conditions. Invitae Evidence Modeling of protein sequence and biophysical properties (such as structural, functional, and spatial information, amino acid conservation, physicochemical variation, residue mobility, and thermodynamic stability) has been performed for this missense variant. However, the output from this modeling did not meet the statistical confidence thresholds required to predict the impact of this variant on IFIH1 protein function. In summary, the available evidence is currently insufficient to determine the role of this variant in disease. Therefore, it has been classified as a Variant of Uncertain Significance.